The following is an entry in ClinVar:

ClinVar aggregate classification (germline): Benign/Likely benign. Review status: criteria provided, multiple submitters, no conflicts (2 of 4 stars). 4 submissions from 4 submitters: Benign (1); Likely benign (3). Last evaluated 2025-01-03.

Conditions:
Hereditary cancer-predisposing syndrome. Also called: Neoplastic Syndromes, Hereditary; Tumor predisposition; Hereditary Cancer Syndrome; Hereditary neoplastic syndrome. Identifiers: Orphanet 140162, MedGen C0027672, MeSH D009386, MONDO:0015356.
Lynch syndrome. Identifiers: Orphanet 144, MedGen C4552100, MONDO:0005835. Disease mechanism: loss of function.
Hereditary nonpolyposis colorectal neoplasms. Identifiers: MedGen C0009405, MeSH D003123.
Lynch syndrome 5 (LYNCH5). Also called: Colorectal cancer, hereditary nonpolyposis, type 5; Hereditary non-polyposis colorectal cancer, type 5. Identifiers: Orphanet 144, MedGen C1833477, MONDO:0013710, OMIM 614350. Disease mechanism: loss of function.

Allele frequency attached by ClinVar (database versions not stated): TOPMed below 0.00001; gnomAD 0.00001.
gnomAD v4.1: 1 of 1,614,004 alleles (0.000062%); highest among the groups gnomAD compares: Non-Finnish European, 0.000085%; no homozygotes.

Submissions (4):

Myriad Genetics, Inc.
Classification: Benign for Lynch syndrome 5. Last evaluated: 2025-01-03. Review status: criteria provided, single submitter. Criteria: Myriad Autosomal Dominant, Autosomal Recessive and X-Linked Classification Criteria (2023). Collection method: clinical testing. Allele origin: unknown.
Comment: This variant is considered benign. This variant is a silent/synonymous amino acid change and it is not expected to impact splicing.

Labcorp Genetics (formerly Invitae), Labcorp
Classification: Likely benign for Hereditary nonpolyposis colorectal neoplasms. Last evaluated: 2024-09-01. Review status: criteria provided, single submitter. Criteria: Invitae Variant Classification Sherloc (09022015). Collection method: clinical testing. Allele origin: germline.

All of Us Research Program, National Institutes of Health
Classification: Likely benign for Lynch syndrome. Last evaluated: 2024-07-29. Review status: criteria provided, single submitter. Criteria: ACMG Guidelines, 2015. Collection method: clinical testing. Allele origin: germline. Inheritance: Autosomal dominant inheritance. Observed: 1 variant allele, 1 heterozygote.
Comment: This study involves interpretation of variants in research participants for the purpose of population health screening. Participant phenotype was not available at the time of variant classification. Additional details can be found in publication PMID: 35346344, PMCID: PMC8962531

Ambry Genetics
Classification: Likely benign for Hereditary cancer-predisposing syndrome. Last evaluated: 2014-10-15. Review status: criteria provided, single submitter. Criteria: Ambry Variant Classification Scheme 2023. Collection method: clinical testing. Allele origin: germline.

NM_000179.3(MSH6):c.3183G>T (p.Leu1061=)

Gene: MSH6 (mutS homolog 6; plus strand). Cytogenetic location: 2p16.3.
Variant type: single nucleotide variant.
Coding change: c.3183G>T on transcript NM_000179.3 (MANE Select); coding-DNA position 3183, G replaced by T.
Protein change: p.Leu1061=; no amino-acid change (leucine 1061 retained).
Molecular consequence: synonymous variant.
Genome position (GRCh38, 1-based): chr2:47,803,430, G>T. VCF-style: chr2-47803430-G-T. GRCh37 (hg19) VCF-style: chr2-48030569-G-T.
Other names: c.2793G>T, p.Leu931= (NM_001281492.2); c.2277G>T, p.Leu759= (NM_001281493.2, NM_001281494.2).
Identifiers: ClinVar variation 186757 (VCV000186757.16), dbSNP rs786203197, ClinGen allele CA011809.
Genomic context (GRCh38, chr2:47,803,430, plus strand): 5'-GATAAAACCCCCAAACGATGAAGCCTCACTTTTACCCTCTCTTTTAACAGATGTTTTACT[G>T]TGCCTGGCTAACTATAGTCGAGGGGGTGATGGTCCTATGTGTCGCCCAGTAATTCTGTTG-3'
Protein context (NP_000170.1, residues 1051-1071): VECIAVLDVL[Leu1061=]CLANYSRGGD